The following is an entry in ClinVar:

ClinVar aggregate classification (germline): Uncertain significance (0 of 4 stars; one submission).

Conditions:
TRPC5-related disorder. Also called: TRPC5-related condition.

gnomAD v4.1: 1 of 1,208,670 alleles (0.000083%); highest among the groups gnomAD compares: Admixed American, 0.0022%; no homozygotes.

Submission:

PreventionGenetics, part of Exact Sciences
Classification: Uncertain significance for TRPC5-related condition. Last evaluated: 2024-06-03. Review status: no assertion criteria provided. Collection method: clinical testing. Allele origin: germline.
Comment: The TRPC5 c.1270G>C variant is predicted to result in the amino acid substitution p.Asp424His. To our knowledge, this variant has not been reported in the literature. This variant is reported in 0.0038% of alleles in individuals of Latino descent in gnomAD. At this time, the clinical significance of this variant is uncertain due to the absence of conclusive functional and genetic evidence.

NM_012471.3(TRPC5):c.1270G>C (p.Asp424His)

Gene: TRPC5 (transient receptor potential cation channel subfamily C member 5; minus strand). Cytogenetic location: Xq23.
Variant type: single nucleotide variant.
Coding change: c.1270G>C on transcript NM_012471.3 (MANE Select); coding-DNA position 1270, G replaced by C.
Protein change: p.Asp424His; replaces aspartic acid 424 with histidine.
Molecular consequence: missense variant.
Genome position (GRCh38, 1-based): chrX:111,852,405, C>G on the plus strand (G>C on the coding strand, the complement: TRPC5 is on the minus strand). VCF-style: chrX-111852405-C-G. GRCh37 (hg19) VCF-style: chrX-111095633-C-G.
Other names: short protein forms D424H.
Identifiers: ClinVar variation 3350160 (VCV003350160.1).